The following is an entry in ClinVar:

NM_006593.4(TBR1):c.372C>G (p.Phe124Leu)

Gene: TBR1 (T-box brain transcription factor 1; plus strand). Cytogenetic location: 2q24.2.
Variant type: single nucleotide variant.
Coding change: c.372C>G on transcript NM_006593.4 (MANE Select); coding-DNA position 372, C replaced by G.
Protein change: p.Phe124Leu; replaces phenylalanine 124 with leucine.
Molecular consequence: missense variant.
Genome position (GRCh38, 1-based): chr2:161,416,782, C>G. VCF-style: chr2-161416782-C-G. GRCh37 (hg19) VCF-style: chr2-162273293-C-G.
Other names: short protein forms F124L.
Identifiers: ClinVar variation 2574928 (VCV002574928.1), dbSNP rs370545735, ClinGen allele CA349211252.

ClinVar aggregate classification (germline): Uncertain significance (1 of 4 stars; one submission).

Submission:

GeneDx
Classification: Uncertain significance. Last evaluated: 2023-02-06. Review status: criteria provided, single submitter. Criteria: GeneDx Variant Classification Process June 2021. Collection method: clinical testing. Allele origin: germline. Affected: yes.
Comment: Not observed at significant frequency in large population cohorts (gnomAD); In silico analysis supports that this missense variant does not alter protein structure/function; Has not been previously published as pathogenic or benign to our knowledge